The following is an entry in ClinVar:

ClinVar aggregate classification (germline): Uncertain significance. Review status: criteria provided, multiple submitters, no conflicts (2 of 4 stars). 2 submissions from 2 submitters: Uncertain significance (2). Last evaluated 2025-10-08.

Conditions:
Atypical glycine encephalopathy. Also called: Glycine encephalopathy with normal serum glycine. Identifiers: Orphanet 289863, MedGen C4310943, MONDO:0015010, OMIM 617301.
Inborn genetic diseases. Identifiers: MedGen C0950123, MeSH D030342.

Allele frequency attached by ClinVar (database versions not stated): gnomAD exomes 0.00004; ExAC 0.00005.
gnomAD v4.1: 31 of 1,614,098 alleles (0.0019%); highest among the groups gnomAD compares: South Asian, 0.021%; 1 homozygote.

Submissions (2):

Ambry Genetics
Classification: Uncertain significance for Inborn genetic diseases. Last evaluated: 2025-10-08. Review status: criteria provided, single submitter. Criteria: Ambry Variant Classification Scheme 2023. Collection method: clinical testing. Allele origin: germline.

Labcorp Genetics (formerly Invitae), Labcorp
Classification: Uncertain significance for Atypical glycine encephalopathy. Last evaluated: 2022-07-06. Review status: criteria provided, single submitter. Criteria: Invitae Variant Classification Sherloc (09022015). Collection method: clinical testing. Allele origin: germline.
Comment: This variant is present in population databases (rs199861598, gnomAD 0.03%). In summary, the available evidence is currently insufficient to determine the role of this variant in disease. Therefore, it has been classified as a Variant of Uncertain Significance. Algorithms developed to predict the effect of sequence changes on RNA splicing suggest that this variant may create or strengthen a splice site. Algorithms developed to predict the effect of missense changes on protein structure and function are either unavailable or do not agree on the potential impact of this missense change (SIFT: "Tolerated"; PolyPhen-2: "Possibly Damaging"; Align-GVGD: "Class C0"). ClinVar contains an entry for this variant (Variation ID: 1419687). This variant has not been reported in the literature in individuals affected with SLC6A9-related conditions. This sequence change replaces phenylalanine, which is neutral and non-polar, with leucine, which is neutral and non-polar, at codon 331 of the SLC6A9 protein (p.Phe331Leu).

NM_001024845.3(SLC6A9):c.774T>A (p.Phe258Leu)

Gene: SLC6A9 (solute carrier family 6 member 9; minus strand). Cytogenetic location: 1p34.1.
Variant type: single nucleotide variant.
Coding change: c.774T>A on transcript NM_001024845.3 (MANE Select); coding-DNA position 774, T replaced by A.
Protein change: p.Phe258Leu; replaces phenylalanine 258 with leucine.
Molecular consequence: missense variant. On other transcripts: non-coding transcript variant (1).
Genome position (GRCh38, 1-based): chr1:44,002,596, A>T on the plus strand (T>A on the coding strand, the complement: SLC6A9 is on the minus strand). VCF-style: chr1-44002596-A-T. GRCh37 (hg19) VCF-style: chr1-44468268-A-T.
Other names: c.786T>A, p.Phe262Leu (NM_001261380.2); c.441T>A, p.Phe147Leu (NM_001328626.2, NM_001328630.2); c.711T>A, p.Phe237Leu (NM_001328627.1); c.579T>A, p.Phe193Leu (NM_001328628.1); c.774T>A, p.Phe258Leu (NM_001328629.1); c.831T>A, p.Phe277Leu (NM_006934.4); c.993T>A, p.Phe331Leu (NM_201649.4); c.993T>A (NM_201649.2); short protein forms F193L, F237L, F331L, F258L, F262L, F277L, F147L.
Identifiers: ClinVar variation 1419687 (VCV001419687.7), dbSNP rs199861598, ClinGen allele CA817702.